The following is an entry in ClinVar:

NM_000179.3(MSH6):c.3763G>A (p.Asp1255Asn)

Gene: MSH6 (mutS homolog 6; plus strand). Cytogenetic location: 2p16.3.
Variant type: single nucleotide variant.
Coding change: c.3763G>A on transcript NM_000179.3 (MANE Select); coding-DNA position 3763, G replaced by A.
Protein change: p.Asp1255Asn; replaces aspartic acid 1255 with asparagine.
Molecular consequence: missense variant.
Genome position (GRCh38, 1-based): chr2:47,806,320, G>A. VCF-style: chr2-47806320-G-A. GRCh37 (hg19) VCF-style: chr2-48033459-G-A.
Other names: c.3373G>A, p.Asp1125Asn (NM_001281492.2); c.2857G>A, p.Asp953Asn (NM_001281493.2, NM_001281494.2); short protein forms D1125N, D953N, D1255N.
Identifiers: ClinVar variation 824176 (VCV000824176.6), dbSNP rs1336339961, ClinGen allele CA346761109.

ClinVar aggregate classification (germline): Uncertain significance (1 of 4 stars; one submission).

Conditions:
Hereditary cancer-predisposing syndrome. Also called: Neoplastic Syndromes, Hereditary; Tumor predisposition; Hereditary neoplastic syndrome; Hereditary Cancer Syndrome. Identifiers: Orphanet 140162, MedGen C0027672, MeSH D009386, MONDO:0015356.

Submission:

Ambry Genetics
Classification: Uncertain significance for Hereditary cancer-predisposing syndrome. Last evaluated: 2025-05-05. Review status: criteria provided, single submitter. Criteria: Ambry Variant Classification Scheme 2023. Collection method: clinical testing. Allele origin: germline.
Comment: The p.D1255N variant (also known as c.3763G>A), located in coding exon 8 of the MSH6 gene, results from a G to A substitution at nucleotide position 3763. The aspartic acid at codon 1255 is replaced by asparagine, an amino acid with highly similar properties. This amino acid position is well conserved in available vertebrate species. In addition, the in silico prediction for this alteration is inconclusive. Since supporting evidence is limited at this time, the clinical significance of this alteration remains unclear.